The following is an entry in ClinVar:

NM_014762.4(DHCR24):c.958G>T (p.Glu320Ter)

Gene: DHCR24 (24-dehydrocholesterol reductase; minus strand). Cytogenetic location: 1p32.3.
Variant type: single nucleotide variant.
Coding change: c.958G>T on transcript NM_014762.4 (MANE Select); coding-DNA position 958, G replaced by T.
Protein change: p.Glu320Ter; replaces glutamic acid 320 with a stop codon.
Molecular consequence: nonsense.
Genome position (GRCh38, 1-based): chr1:54,865,365, C>A on the plus strand (G>T on the coding strand, the complement: DHCR24 is on the minus strand). VCF-style: chr1-54865365-C-A. GRCh37 (hg19) VCF-style: chr1-55331038-C-A.
Other names: short protein forms E320*.
Identifiers: ClinVar variation 1027890 (VCV001027890.1), dbSNP rs1646962392, ClinGen allele CA340454905.

ClinVar aggregate classification (germline): Likely pathogenic (1 of 4 stars; one submission).

Conditions:
Desmosterolosis. Identifiers: Orphanet 35107, MedGen C1865596, MONDO:0011217, OMIM 602398.

Submission:

Baylor Genetics
Classification: Likely pathogenic for Desmosterolosis. Last evaluated: 2019-11-07. Review status: criteria provided, single submitter. Criteria: ACMG Guidelines, 2015. Collection method: clinical testing. Allele origin: unknown. Affected: yes.
Comment: This variant was determined to be likely pathogenic according to ACMG Guidelines, 2015 [PMID:25741868].